The following is an entry in ClinVar:

NM_152414.5(BHLHE22):c.848T>A (p.Ile283Asn)

Genes: BHLHE22 (basic helix-loop-helix family member e22; plus strand), BHLHE22-AS1 (BHLHE22 antisense RNA 1; minus strand). Cytogenetic location: 8q12.3.
Variant type: single nucleotide variant.
Coding change: c.848T>A on transcript NM_152414.5 (MANE Select); coding-DNA position 848, T replaced by A.
Protein change: p.Ile283Asn; replaces isoleucine 283 with asparagine.
Molecular consequence: missense variant.
Genome position (GRCh38, 1-based): chr8:64,581,638, T>A. VCF-style: chr8-64581638-T-A. GRCh37 (hg19) VCF-style: chr8-65494195-T-A.
Other names: short protein forms I283N.
Identifiers: ClinVar variation 4820302 (VCV004820302.1).

ClinVar aggregate classification (germline): Likely pathogenic (1 of 4 stars; one submission).

Conditions:
BHLHE22-related disorder.

Submission:

Sherr lab, University of California San Francisco
Classification: Likely pathogenic for BHLHE22-related disorder. Last evaluated: 2026-03-30. Review status: criteria provided, single submitter. Criteria: Le et al. (medRxiv. 2024). Collection method: clinical testing. Allele origin: de novo. Inheritance: Autosomal dominant inheritance. Affected: yes. Observed: 1 variant allele, 1 heterozygote.
Comment: The BHLHE22 p.Ile283Asn variant is classified as likely pathogenic based on multiple lines of evidence. It is absent from population databases, arguing against a benign polymorphism. The affected residue lies within a highly conserved functional domain, suggesting that amino acid substitution is likely to impact protein function. Finally, the patient’s phenotype is consistent with the disease spectrum associated with disruption of this gene. Together, these data support a likely pathogenic interpretation.